The following is an entry in ClinVar:

ClinVar aggregate classification (germline): Conflicting classifications of pathogenicity. Review status: criteria provided, conflicting classifications (1 of 4 stars). 2 submissions from 2 submitters: Likely pathogenic (1); Uncertain significance (1). Last evaluated 2021-09-29.

Conditions:
Hypertrophic cardiomyopathy. Also called: HYPERTROPHIC MYOCARDIOPATHY. Identifiers: Orphanet 217569, MedGen C0007194, MeSH D002312, MONDO:0005045, HP:0001639.
Hypertrophic cardiomyopathy 1 (CMH1). Also called: Familial hypertrophic cardiomyopathy 1; MYH7-Related Familial Hypertrophic Cardiomyopathy. Identifiers: MedGen C3495498, MONDO:0008647, OMIM 192600.

Submissions (2):

Labcorp Genetics (formerly Invitae), Labcorp
Classification: Uncertain significance for Hypertrophic cardiomyopathy. Last evaluated: 2021-09-29. Review status: criteria provided, single submitter. Criteria: Invitae Variant Classification Sherloc (09022015). Collection method: clinical testing. Allele origin: germline.
Comment: This sequence change affects codon 38 of the TPM1 mRNA. It is a 'silent' change, meaning that it does not change the encoded amino acid sequence of the TPM1 protein. This variant also falls at the last nucleotide of exon 1 of the TPM1 coding sequence, which is part of the consensus splice site for this exon. In summary, the available evidence is currently insufficient to determine the role of this variant in disease. Therefore, it has been classified as a Variant of Uncertain Significance. Nucleotide substitutions within the consensus splice site are a relatively common cause of aberrant splicing (PMID: 17576681, 9536098). Algorithms developed to predict the effect of sequence changes on RNA splicing suggest that this variant may disrupt the consensus splice site, but this prediction has not been confirmed by published transcriptional studies. This variant has not been reported in the literature in individuals with TPM1-related conditions. This variant is not present in population databases (ExAC no frequency).

Molecular Diagnostic Laboratory for Inherited Cardiovascular Disease, Montreal Heart Institute
Classification: Likely pathogenic for Hypertrophic cardiomyopathy 1. Last evaluated: 2019-03-19. Review status: criteria provided, single submitter. Criteria: ACMG Guidelines, 2015. Collection method: clinical testing. Allele origin: germline. Affected: yes.

Literature cited by the submitters: PubMed 17576681 (cited by Labcorp Genetics (formerly Invitae), Labcorp); PubMed 9536098 (cited by Labcorp Genetics (formerly Invitae), Labcorp).

NM_001018005.2(TPM1):c.114G>A (p.Gln38=)

Gene: TPM1 (tropomyosin 1; plus strand). Cytogenetic location: 15q22.2.
Variant type: single nucleotide variant.
Coding change: c.114G>A on transcript NM_001018005.2 (MANE Select); coding-DNA position 114, G replaced by A.
Protein change: p.Gln38=; no amino-acid change (glutamine 38 retained).
Molecular consequence: synonymous variant.
Genome position (GRCh38, 1-based): chr15:63,042,943, G>A. VCF-style: chr15-63042943-G-A. GRCh37 (hg19) VCF-style: chr15-63335142-G-A.
Other names: c.114G>A, p.Gln38= (NM_000366.6, NM_001018004.2, NM_001018006.2 and 7 more transcripts).
Identifiers: ClinVar variation 978361 (VCV000978361.8), dbSNP rs2031445986, ClinGen allele CA490677886.